The following is an entry in ClinVar:

NM_001384140.1(PCDH15):c.1928G>A (p.Arg643Gln)

Gene: PCDH15 (protocadherin related 15; minus strand). Cytogenetic location: 10q21.1.
Variant type: single nucleotide variant.
Coding change: c.1928G>A on transcript NM_001384140.1 (MANE Select); coding-DNA position 1928, G replaced by A.
Protein change: p.Arg643Gln; replaces arginine 643 with glutamine.
Molecular consequence: missense variant. On other transcripts: intron variant (1).
Genome position (GRCh38, 1-based): chr10:54,090,053, C>T on the plus strand (G>A on the coding strand, the complement: PCDH15 is on the minus strand). VCF-style: chr10-54090053-C-T. GRCh37 (hg19) VCF-style: chr10-55849813-C-T.
Other names: c.1943G>A, p.Arg648Gln (NM_001142763.2, NM_001142771.2); c.1928G>A, p.Arg643Gln (NM_001142764.2, NM_001142766.2, NM_001142770.3 and 5 more transcripts); c.1817G>A, p.Arg606Gln (NM_001142767.2); c.1862G>A, p.Arg621Gln (NM_001142768.2, NM_001142773.2, NM_001354404.2); c.1964G>A, p.Arg655Gln (NM_001142769.4); c.1949G>A, p.Arg650Gln (NM_001354411.2); c.1785-10629G>A (NM_001142765.2); short protein forms R648Q, R650Q, R643Q, R621Q, R606Q, R655Q.
Identifiers: ClinVar variation 2148154 (VCV002148154.3), dbSNP rs771956446, ClinGen allele CA5506196.

ClinVar aggregate classification (germline): Uncertain significance. Review status: criteria provided, multiple submitters, no conflicts (2 of 4 stars). 3 submissions from 3 submitters: Uncertain significance (3). Last evaluated 2024-07-25.

Allele frequency attached by ClinVar (database versions not stated): gnomAD exomes 0.00003; ExAC 0.00005.
gnomAD v4.1: 38 of 1,610,674 alleles (0.0024%); highest among the groups gnomAD compares: South Asian, 0.038%; 1 homozygote.

Submissions (3):

GeneDx
Classification: Uncertain significance. Last evaluated: 2024-07-25. Review status: criteria provided, single submitter. Criteria: GeneDx Variant Classification Process June 2021. Collection method: clinical testing. Allele origin: germline. Affected: yes.
Comment: In silico analysis indicates that this missense variant does not alter protein structure/function; Has not been previously published as pathogenic or benign to our knowledge

Labcorp Genetics (formerly Invitae), Labcorp
Classification: Uncertain significance. Last evaluated: 2022-10-17. Review status: criteria provided, single submitter. Criteria: Invitae Variant Classification Sherloc (09022015). Collection method: clinical testing. Allele origin: germline.
Comment: This sequence change replaces arginine, which is basic and polar, with glutamine, which is neutral and polar, at codon 643 of the PCDH15 protein (p.Arg643Gln). This variant is present in population databases (rs771956446, gnomAD 0.03%). This variant has not been reported in the literature in individuals affected with PCDH15-related conditions. Advanced modeling of protein sequence and biophysical properties (such as structural, functional, and spatial information, amino acid conservation, physicochemical variation, residue mobility, and thermodynamic stability) has been performed at Invitae for this missense variant, however the output from this modeling did not meet the statistical confidence thresholds required to predict the impact of this variant on PCDH15 protein function. In summary, the available evidence is currently insufficient to determine the role of this variant in disease. Therefore, it has been classified as a Variant of Uncertain Significance.

Blueprint Genetics
Classification: Uncertain significance. Last evaluated: 2022-09-30. Review status: criteria provided, single submitter. Criteria: ACMG Guidelines, 2015. Collection method: clinical testing. Allele origin: germline.